The following is an entry in ClinVar:

NM_153704.6(TMEM67):c.8C>T (p.Thr3Met)

Gene: TMEM67 (transmembrane protein 67; plus strand). Cytogenetic location: 8q22.1.
Variant type: single nucleotide variant.
Coding change: c.8C>T on transcript NM_153704.6 (MANE Select); coding-DNA position 8, C replaced by T.
Protein change: p.Thr3Met; replaces threonine 3 with methionine.
Molecular consequence: missense variant. On other transcripts: non-coding transcript variant (1), intron variant (1).
Genome position (GRCh38, 1-based): chr8:93,754,922, C>T. VCF-style: chr8-93754922-C-T. GRCh37 (hg19) VCF-style: chr8-94767150-C-T.
Other names: c.8C>T (NM_153704.5); c.-180+13C>T (NM_001142301.1); short protein forms T3M.
Identifiers: ClinVar variation 1391597 (VCV001391597.7), dbSNP rs779950527, ClinGen allele CA181303990.
Genomic context (GRCh38, chr8:93,754,922, plus strand): 5'-GCCGCAGAGGCTGATGGGGGGCTGGAGGCTGTGAGGCTTCCAGCGTCGGTACCATGGCGA[C>T]GCGCGGTGGGGCTGGGGTGGCAATGGCGGTTTGGTCCCTCTTATCCGCCCGGGCCGTGAC-3'
Protein context (NP_714915.3, residues 1-13): MA[Thr3Met]RGGAGVAMAV

ClinVar aggregate classification (germline): Uncertain significance. Review status: criteria provided, multiple submitters, no conflicts (2 of 4 stars). 4 submissions from 4 submitters: Uncertain significance (4). Last evaluated 2026-08-03.

Conditions:
Joubert syndrome. Also called: Familial aplasia of the vermis; JOUBERT-BOLTSHAUSER SYNDROME. Identifiers: Orphanet 475, MedGen C5979921, MONDO:0018772.
Meckel-Gruber syndrome. Also called: Dysencephalia splachnocystica; GRUBER SYNDROME; DYSENCEPHALIA SPLANCHNOCYSTICA. Identifiers: Orphanet 564, MedGen C0265215, MONDO:0018921.
Meckel syndrome, type 3 (MKS3). Also called: MECKEL-GRUBER SYNDROME, TYPE 3. Identifiers: Orphanet 564, MedGen C1846357, MONDO:0011821, OMIM 607361.
COACH syndrome 1. Identifiers: Orphanet 1454, MedGen C5435651, MONDO:0800103, OMIM 216360, MONDO:0008996.
Joubert syndrome 6 (JBTS6). Identifiers: Orphanet 475, MedGen C1853153, MONDO:0012539, OMIM 610688.
Bardet-Biedl syndrome 14 (BBS14). Identifiers: Orphanet 110, MedGen C2673874, MONDO:0014442, OMIM 615991.
RHYNS syndrome. Also called: RETINITIS PIGMENTOSA SYNDROME; RETINITIS PIGMENTOSA, HYPOPITUITARISM, NEPHRONOPHTHISIS, AND MILD SKELETAL DYSPLASIA. Identifiers: Orphanet 140976, MedGen C1865794, MONDO:0011202, OMIM 602152.
Nephronophthisis 11 (NPHP11). Identifiers: Orphanet 84081, MedGen C3150796, MONDO:0013302, OMIM 613550.
TMEM67-related disorder. Also called: TMEM67-related disorders; TMEM67-related condition. Identifiers: MedGen CN239423.
Inborn genetic diseases. Identifiers: MedGen C0950123, MeSH D030342.

Allele frequency attached by ClinVar (database versions not stated): gnomAD 0.00001; gnomAD exomes 0.00001 and 0.00005; TOPMed 0.00002.
gnomAD v4.1: 68 of 1,613,640 alleles (0.0042%); highest among the groups gnomAD compares: Non-Finnish European, 0.0056%; no homozygotes.

Submissions (4):

PreventionGenetics, part of Exact Sciences
Classification: Uncertain significance for TMEM67-related condition. Last evaluated: 2026-08-03. Review status: criteria provided, single submitter. Criteria: ACMG Guidelines, 2015. Collection method: clinical testing. Allele origin: germline.
Comment: The TMEM67 c.8C>T variant is predicted to result in the amino acid substitution p.Thr3Met. To our knowledge, this variant has not been reported in the literature. This variant is reported in 0.0026% of alleles in individuals of European (Non-Finnish) descent in gnomAD. At this time, the clinical significance of this variant is uncertain due to the absence of conclusive functional and genetic evidence.

Ambry Genetics
Classification: Uncertain significance for Inborn genetic diseases. Last evaluated: 2024-10-01. Review status: criteria provided, single submitter. Criteria: Ambry Variant Classification Scheme 2023. Collection method: clinical testing. Allele origin: germline.

Fulgent Genetics
Classification: Uncertain significance for COACH syndrome 1; RHYNS syndrome; Meckel syndrome, type 3; Joubert syndrome 6; Nephronophthisis 11; Bardet-Biedl syndrome 14. Last evaluated: 2024-05-20. Review status: criteria provided, single submitter. Criteria: ACMG Guidelines, 2015. Collection method: clinical testing. Allele origin: germline.

Labcorp Genetics (formerly Invitae), Labcorp
Classification: Uncertain significance for Joubert syndrome; Meckel-Gruber syndrome. Last evaluated: 2022-06-27. Review status: criteria provided, single submitter. Criteria: Invitae Variant Classification Sherloc (09022015). Collection method: clinical testing. Allele origin: germline.
Comment: This sequence change replaces threonine, which is neutral and polar, with methionine, which is neutral and non-polar, at codon 3 of the TMEM67 protein (p.Thr3Met). This variant is present in population databases (rs779950527, gnomAD 0.003%). This variant has not been reported in the literature in individuals affected with TMEM67-related conditions. Advanced modeling of protein sequence and biophysical properties (such as structural, functional, and spatial information, amino acid conservation, physicochemical variation, residue mobility, and thermodynamic stability) performed at Invitae indicates that this missense variant is not expected to disrupt TMEM67 protein function. In summary, the available evidence is currently insufficient to determine the role of this variant in disease. Therefore, it has been classified as a Variant of Uncertain Significance.